The following is an entry in ClinVar:

NM_002900.3(RBP3):c.1580C>T (p.Pro527Leu)

Gene: RBP3 (retinol binding protein 3; plus strand). Cytogenetic location: 10q11.22.
Variant type: single nucleotide variant.
Coding change: c.1580C>T on transcript NM_002900.3 (MANE Select); coding-DNA position 1580, C replaced by T.
Protein change: p.Pro527Leu; replaces proline 527 with leucine.
Molecular consequence: missense variant.
Genome position (GRCh38, 1-based): chr10:47,350,064, C>T. VCF-style: chr10-47350064-C-T. GRCh37 (hg19) VCF-style: chr10-48389298-G-A.
Other names: short protein forms P527L.
Identifiers: ClinVar variation 1022904 (VCV001022904.6), dbSNP rs113665624, ClinGen allele CA206463385.

ClinVar aggregate classification (germline): Uncertain significance (1 of 4 stars; one submission).

Allele frequency attached by ClinVar (database versions not stated): TOPMed below 0.00001; gnomAD 0.00001 and 0.00002; gnomAD exomes 0.00001.
gnomAD v4.1: 12 of 1,612,960 alleles (0.00074%); highest among the groups gnomAD compares: East Asian, 0.0045%; no homozygotes.

Submission:

Labcorp Genetics (formerly Invitae), Labcorp
Classification: Uncertain significance. Last evaluated: 2022-03-10. Review status: criteria provided, single submitter. Criteria: Invitae Variant Classification Sherloc (09022015). Collection method: clinical testing. Allele origin: germline.
Comment: ClinVar contains an entry for this variant (Variation ID: 1022904). This variant has not been reported in the literature in individuals affected with RBP3-related conditions. The frequency data for this variant in the population databases is considered unreliable, as metrics indicate poor data quality at this position in the gnomAD database. This sequence change replaces proline, which is neutral and non-polar, with leucine, which is neutral and non-polar, at codon 527 of the RBP3 protein (p.Pro527Leu). Algorithms developed to predict the effect of missense changes on protein structure and function output the following: SIFT: "Tolerated"; PolyPhen-2: "Probably Damaging"; Align-GVGD: "Class C0". The leucine amino acid residue is found in multiple mammalian species, which suggests that this missense change does not adversely affect protein function. In summary, the available evidence is currently insufficient to determine the role of this variant in disease. Therefore, it has been classified as a Variant of Uncertain Significance.